The following is an entry in ClinVar:

NM_007294.4(BRCA1):c.4146C>A (p.Cys1382Ter)

Gene: BRCA1 (BRCA1 DNA repair associated; minus strand). Cytogenetic location: 17q21.31.
Variant type: single nucleotide variant.
Coding change: c.4146C>A on transcript NM_007294.4 (MANE Select); coding-DNA position 4146, C replaced by A.
Protein change: p.Cys1382Ter; replaces cysteine 1382 with a stop codon.
Molecular consequence: nonsense. On other transcripts: non-coding transcript variant (1).
Genome position (GRCh38, 1-based): chr17:43,090,983, G>T on the plus strand (C>A on the coding strand, the complement: BRCA1 is on the minus strand). VCF-style: chr17-43090983-G-T. GRCh37 (hg19) VCF-style: chr17-41243000-G-T.
Other names: c.3933C>A, p.Cys1311Ter (NM_001407571.1, NM_001407894.1, NM_001407915.1 and 9 more transcripts); c.4146C>A, p.Cys1382Ter (NM_001407581.1, NM_001407582.1, NM_001407583.1 and 30 more transcripts); c.4143C>A, p.Cys1381Ter (NM_001407587.1, NM_001407590.1, NM_001407591.1 and 22 more transcripts); c.4068C>A, p.Cys1356Ter (NM_001407656.1, NM_001407657.1, NM_001407658.1 and 4 more transcripts); c.4065C>A, p.Cys1355Ter (NM_001407659.1, NM_001407660.1, NM_001407661.1 and 1 more transcripts); c.4023C>A, p.Cys1341Ter (NM_001407664.1, NM_001407675.1, NM_001407676.1 and 19 more transcripts); c.4005C>A, p.Cys1335Ter (NM_001407695.1, NM_001407696.1, NM_001407697.1 and 29 more transcripts); c.4002C>A, p.Cys1334Ter (NM_001407740.1, NM_001407741.1, NM_001407742.1 and 20 more transcripts); and 41 more; short protein forms C1382*, C279*, C1335*, C1271*, C1312*, C1340*, C1379*, C198*.
Identifiers: ClinVar variation 371879 (VCV000371879.5), dbSNP rs1057517574, ClinGen allele CA10593429.
Genomic context (GRCh38, chr17:43,090,983, plus strand): 5'-ACACACACACACGCTTTTTACCTGAGTGGTTAAAATGTCACTCTGAGAGGATAGCCCTGA[G>T]CAGTCTTCAGAGACGCTTGTTTCACTCTCACACCCAGATGCTGCTTCACCTTAAATAACA-3'

ClinVar aggregate classification (germline): Pathogenic. Review status: reviewed by expert panel (3 of 4 stars). 3 submissions from 3 submitters: Pathogenic (1). 2 of the submissions do not count toward it. Last evaluated 2017-12-15.

Conditions:
Breast-ovarian cancer, familial, susceptibility to, 1 (BROVCA1). Also called: BRCA1 Hereditary Breast and Ovarian Cancer; OVARIAN CANCER, SUSCEPTIBILITY TO. Identifiers: Orphanet 145, MedGen C2676676, MONDO:0011450, OMIM 604370. Disease mechanism: loss of function.

Submissions (3):

Evidence-based Network for the Interpretation of Germline Mutant Alleles (ENIGMA)
Classification: Pathogenic for Breast-ovarian cancer, familial, susceptibility to, 1. Last evaluated: 2017-12-15. Review status: reviewed by expert panel. Criteria: ENIGMA BRCA1/2 Classification Criteria (2017-06-29). Collection method: curation. Allele origin: germline. Study: ENIGMA.
Comment: Variant allele predicted to encode a truncated non-functional protein.

Quest Diagnostics Nichols Institute San Juan Capistrano
Classification: Likely pathogenic. Last evaluated: 2016-11-30. Review status: criteria provided, single submitter. Criteria: Quest Diagnostics criteria. Collection method: clinical testing. Allele origin: germline. Not counted in ClinVar's aggregate classification.

Counsyl
Classification: Likely pathogenic for Breast-ovarian cancer, familial, susceptibility to, 1. Last evaluated: 2016-07-12. Review status: no assertion criteria provided. Collection method: clinical testing. Allele origin: unknown. Not counted in ClinVar's aggregate classification.